The following is an entry in ClinVar:

ClinVar aggregate classification (germline): Uncertain significance. Review status: criteria provided, multiple submitters, no conflicts (2 of 4 stars). 4 submissions from 4 submitters: Uncertain significance (4). Last evaluated 2025-10-14.

Conditions:
Familial adenomatous polyposis 1 (FAP1). Also called: POLYPOSIS, ADENOMATOUS INTESTINAL; FAMILIAL ADENOMATOUS POLYPOSIS 1, ATTENUATED. Identifiers: MedGen C2713442, MONDO:0021056, OMIM 175100. Disease mechanism: loss of function.
Hereditary cancer-predisposing syndrome. Also called: Hereditary Cancer Syndrome; Neoplastic Syndromes, Hereditary; Tumor predisposition; Hereditary neoplastic syndrome. Identifiers: Orphanet 140162, MedGen C0027672, MeSH D009386, MONDO:0015356.

Submissions (4):

Ambry Genetics
Classification: Uncertain significance for Hereditary cancer-predisposing syndrome. Last evaluated: 2025-10-14. Review status: criteria provided, single submitter. Criteria: Ambry Variant Classification Scheme 2023. Collection method: clinical testing. Allele origin: germline.
Comment: The p.Q2344H variant (also known as c.7032A>T), located in coding exon 15 of the APC gene, results from an A to T substitution at nucleotide position 7032. The glutamine at codon 2344 is replaced by histidine, an amino acid with highly similar properties. This amino acid position is conserved. In addition, in silico predictors for this gene do not accurately predict pathogenicity. Since supporting evidence is limited at this time, the clinical significance of this alteration remains unclear.

Baylor Genetics
Classification: Uncertain significance for Familial adenomatous polyposis 1. Last evaluated: 2024-03-05. Review status: criteria provided, single submitter. Criteria: ACMG Guidelines, 2015. Collection method: clinical testing. Allele origin: unknown.

Color Diagnostics, LLC DBA Color Health
Classification: Uncertain significance for Hereditary cancer-predisposing syndrome. Last evaluated: 2023-12-05. Review status: criteria provided, single submitter. Criteria: ACMG Guidelines, 2015. Collection method: clinical testing. Allele origin: germline.
Comment: This missense variant replaces glutamine with histidine at codon 2344 of the APC protein. Computational prediction is inconclusive regarding the impact of this variant on protein structure and function (internally defined REVEL score threshold 0.5 < inconclusive < 0.7, PMID: 27666373). To our knowledge, functional studies have not been reported for this variant. This variant has not been reported in individuals affected with APC-related disorders in the literature. This variant has not been identified in the general population by the Genome Aggregation Database (gnomAD). The available evidence is insufficient to determine the role of this variant in disease conclusively. Therefore, this variant is classified as a Variant of Uncertain Significance.

Labcorp Genetics (formerly Invitae), Labcorp
Classification: Uncertain significance for Familial adenomatous polyposis 1. Last evaluated: 2023-11-17. Review status: criteria provided, single submitter. Criteria: Invitae Variant Classification Sherloc (09022015). Collection method: clinical testing. Allele origin: germline.
Comment: This sequence change replaces glutamine, which is neutral and polar, with histidine, which is basic and polar, at codon 2344 of the APC protein (p.Gln2344His). This variant is not present in population databases (gnomAD no frequency). This variant has not been reported in the literature in individuals affected with APC-related conditions. ClinVar contains an entry for this variant (Variation ID: 489488). Advanced modeling of protein sequence and biophysical properties (such as structural, functional, and spatial information, amino acid conservation, physicochemical variation, residue mobility, and thermodynamic stability) performed at Invitae indicates that this missense variant is not expected to disrupt APC protein function with a negative predictive value of 95%. In summary, the available evidence is currently insufficient to determine the role of this variant in disease. Therefore, it has been classified as a Variant of Uncertain Significance.

NM_000038.6(APC):c.7032A>T (p.Gln2344His)

Gene: APC (APC regulator of Wnt signaling pathway; plus strand). Cytogenetic location: 5q22.2.
Variant type: single nucleotide variant.
Coding change: c.7032A>T on transcript NM_000038.6 (MANE Select); coding-DNA position 7032, A replaced by T.
Protein change: p.Gln2344His; replaces glutamine 2344 with histidine.
Molecular consequence: missense variant.
Genome position (GRCh38, 1-based): chr5:112,842,626, A>T. VCF-style: chr5-112842626-A-T. GRCh37 (hg19) VCF-style: chr5-112178323-A-T.
Other names: c.7032A>T, p.Gln2344His (NM_001127510.3, NM_001354895.2); c.6978A>T, p.Gln2326His (NM_001127511.3); c.7086A>T, p.Gln2362His (NM_001354896.2); c.7062A>T, p.Gln2354His (NM_001354897.2); c.6957A>T, p.Gln2319His (NM_001354898.2); c.6948A>T, p.Gln2316His (NM_001354899.2); c.6909A>T, p.Gln2303His (NM_001354900.2); c.6855A>T, p.Gln2285His (NM_001354901.2); and 5 more; short protein forms Q2326H, Q2344H, Q2061H, Q2243H, Q2253H, Q2303H, Q2184H, Q2285H.
Identifiers: ClinVar variation 489488 (VCV000489488.11), dbSNP rs753728632, ClinGen allele CA16036661.